The following is an entry in ClinVar:

ClinVar aggregate classification (germline): Uncertain significance (1 of 4 stars; one submission).

Allele frequency attached by ClinVar (database versions not stated): gnomAD exomes below 0.00001.
gnomAD v4.1: 3 of 1,614,222 alleles (0.00019%); highest among the groups gnomAD compares: Middle Eastern, 0.016%; no homozygotes.

Submission:

Labcorp Genetics (formerly Invitae), Labcorp
Classification: Uncertain significance. Last evaluated: 2021-10-11. Review status: criteria provided, single submitter. Criteria: Invitae Variant Classification Sherloc (09022015). Collection method: clinical testing. Allele origin: germline.
Comment: In summary, the available evidence is currently insufficient to determine the role of this variant in disease. Therefore, it has been classified as a Variant of Uncertain Significance. Advanced modeling of protein sequence and biophysical properties (such as structural, functional, and spatial information, amino acid conservation, physicochemical variation, residue mobility, and thermodynamic stability) performed at Invitae indicates that this missense variant is not expected to disrupt KCNQ5 protein function. This sequence change replaces serine with asparagine at codon 871 of the KCNQ5 protein (p.Ser871Asn). The serine residue is weakly conserved and there is a small physicochemical difference between serine and asparagine. This variant is not present in population databases (ExAC no frequency). This variant has not been reported in the literature in individuals with KCNQ5-related conditions.

NM_019842.4(KCNQ5):c.2555G>A (p.Ser852Asn)

Gene: KCNQ5 (potassium voltage-gated channel subfamily Q member 5; plus strand). Cytogenetic location: 6q13.
Variant type: single nucleotide variant.
Coding change: c.2555G>A on transcript NM_019842.4 (MANE Select); coding-DNA position 2555, G replaced by A.
Protein change: p.Ser852Asn; replaces serine 852 with asparagine.
Molecular consequence: missense variant.
Genome position (GRCh38, 1-based): chr6:73,195,170, G>A. VCF-style: chr6-73195170-G-A. GRCh37 (hg19) VCF-style: chr6-73904893-G-A.
Other names: c.2528G>A, p.Ser843Asn (NM_001160130.2); c.2585G>A, p.Ser862Asn (NM_001160132.2); c.2612G>A, p.Ser871Asn (NM_001160133.2); c.2225G>A, p.Ser742Asn (NM_001160134.2); short protein forms S742N, S852N, S871N, S862N, S843N.
Identifiers: ClinVar variation 1492049 (VCV001492049.6), dbSNP rs1396567616, ClinGen allele CA364696560.
Genomic context (GRCh38, chr6:73,195,170, plus strand): 5'-TGCAAAACCTGATCAGGTCGACCGAGGAACTGAATATACAACTTTCAGGGAGTGAGTCAA[G>A]TGGCTCCAGAGGCAGCCAAGATTTTTACCCCAAATGGAGGGAATCCAAATTGTTTATAAC-3'
Protein context (NP_062816.2, residues 842-862): LNIQLSGSES[Ser852Asn]GSRGSQDFYP